The following is an entry in ClinVar:

ClinVar aggregate classification (germline): Uncertain significance (1 of 4 stars; one submission).

Conditions:
Retinoblastoma (RB1). Also called: RETINOBLASTOMA, SOMATIC. Identifiers: Orphanet 790, MedGen C0035335, MeSH D012175, MONDO:0008380, OMIM 180200, HP:0009919. Disease mechanism: loss of function. Inheritance: Both sporadic and heritable forms are tested..

Submission:

Labcorp Genetics (formerly Invitae), Labcorp
Classification: Uncertain significance for Retinoblastoma. Last evaluated: 2025-08-15. Review status: criteria provided, single submitter. Criteria: Invitae Variant Classification Sherloc (09022015). Collection method: clinical testing. Allele origin: germline.
Comment: This sequence change replaces lysine, which is basic and polar, with glutamic acid, which is acidic and polar, at codon 427 of the RB1 protein (p.Lys427Glu). This variant is not present in population databases (gnomAD no frequency). This variant has not been reported in the literature in individuals affected with RB1-related conditions. Invitae Evidence Modeling of protein sequence and biophysical properties (such as structural, functional, and spatial information, amino acid conservation, physicochemical variation, residue mobility, and thermodynamic stability) indicates that this missense variant is not expected to disrupt RB1 protein function with a negative predictive value of 80%. In summary, the available evidence is currently insufficient to determine the role of this variant in disease. Therefore, it has been classified as a Variant of Uncertain Significance.

NM_000321.3(RB1):c.1279A>G (p.Lys427Glu)

Gene: RB1 (RB transcriptional corepressor 1; plus strand). Cytogenetic location: 13q14.2.
Variant type: single nucleotide variant.
Coding change: c.1279A>G on transcript NM_000321.3 (MANE Select); coding-DNA position 1279, A replaced by G.
Protein change: p.Lys427Glu; replaces lysine 427 with glutamic acid.
Molecular consequence: missense variant.
Genome position (GRCh38, 1-based): chr13:48,376,981, A>G. VCF-style: chr13-48376981-A-G. GRCh37 (hg19) VCF-style: chr13-48951117-A-G.
Other names: c.1279A>G, p.Lys427Glu (NM_001407165.1, NM_001407166.1); short protein forms K427E.
Identifiers: ClinVar variation 4739743 (VCV004739743.1).